The following is an entry in ClinVar:

NM_002878.4(RAD51D):c.170T>C (p.Leu57Pro)

Genes: RAD51L3-RFFL (RAD51L3-RFFL readthrough; minus strand), RAD51D (RAD51 paralog D; minus strand). Cytogenetic location: 17q12.
Variant type: single nucleotide variant.
Coding change: c.170T>C on transcript NM_002878.4 (MANE Select); coding-DNA position 170, T replaced by C.
Protein change: p.Leu57Pro; replaces leucine 57 with proline.
Molecular consequence: missense variant. On other transcripts: intron variant (2).
Genome position (GRCh38, 1-based): chr17:35,118,594, A>G on the plus strand (T>C on the coding strand, the complement: RAD51D is on the minus strand). VCF-style: chr17-35118594-A-G. GRCh37 (hg19) VCF-style: chr17-33445613-A-G.
Other names: c.144+517T>C (NM_133629.3, NM_001142571.2); short protein forms L57P.
Identifiers: ClinVar variation 2096837 (VCV002096837.4), dbSNP rs2142474612, ClinGen allele CA399091530.

ClinVar aggregate classification (germline): Uncertain significance (1 of 4 stars; one submission).

Conditions:
Breast-ovarian cancer, familial, susceptibility to, 4. Identifiers: Orphanet 145, MedGen C3280345, MONDO:0013669, OMIM 614291.

Allele frequency attached by ClinVar (database versions not stated): gnomAD exomes below 0.00001.
gnomAD v4.1: 1 of 1,614,216 alleles (0.000062%); highest among the groups gnomAD compares: African/African-American, 0.0013%; no homozygotes.

Submission:

Labcorp Genetics (formerly Invitae), Labcorp
Classification: Uncertain significance for Breast-ovarian cancer, familial, susceptibility to, 4. Last evaluated: 2023-12-02. Review status: criteria provided, single submitter. Criteria: Invitae Variant Classification Sherloc (09022015). Collection method: clinical testing. Allele origin: germline.
Comment: This sequence change replaces leucine, which is neutral and non-polar, with proline, which is neutral and non-polar, at codon 57 of the RAD51D protein (p.Leu57Pro). This variant is not present in population databases (gnomAD no frequency). This variant has not been reported in the literature in individuals affected with RAD51D-related conditions. ClinVar contains an entry for this variant (Variation ID: 2096837). Advanced modeling of protein sequence and biophysical properties (such as structural, functional, and spatial information, amino acid conservation, physicochemical variation, residue mobility, and thermodynamic stability) performed at Invitae indicates that this missense variant is expected to disrupt RAD51D protein function with a positive predictive value of 80%. In summary, the available evidence is currently insufficient to determine the role of this variant in disease. Therefore, it has been classified as a Variant of Uncertain Significance.